The following is an entry in ClinVar:

ClinVar aggregate classification (germline): Likely benign. Review status: criteria provided, multiple submitters, no conflicts (2 of 4 stars). 3 submissions from 3 submitters: Likely benign (2). 1 of the submissions does not count toward it. Last evaluated 2026-01-15.

Conditions:
MANBA-related disorder. Also called: MANBA-related condition.
Beta-D-mannosidosis (MANSB). Also called: Beta-Mannosidosis; MANNOSIDOSIS, BETA A, LYSOSOMAL; BETA-MANNOSIDASE DEFICIENCY; LYSOSOMAL BETA-MANNOSIDASE DEFICIENCY. Identifiers: Orphanet 118, MedGen C4048196, MONDO:0009562, OMIM 248510.

Allele frequency attached by ClinVar (database versions not stated): ESP Exome Variant Server 0.00008; gnomAD exomes 0.00009 and 0.00017; ExAC 0.00012; gnomAD 0.00012 and 0.00013; TOPMed 0.00017.
gnomAD v4.1: 267 of 1,613,098 alleles (0.017%); highest among the groups gnomAD compares: Non-Finnish European, 0.022%; no homozygotes.

Submissions (3):

Labcorp Genetics (formerly Invitae), Labcorp
Classification: Likely benign for Beta-D-mannosidosis. Last evaluated: 2026-01-15. Review status: criteria provided, single submitter. Criteria: Invitae Variant Classification Sherloc (09022015). Collection method: clinical testing. Allele origin: germline.

Blueprint Genetics
Classification: Likely benign. Last evaluated: 2022-11-23. Review status: criteria provided, single submitter. Criteria: ACMG Guidelines, 2015. Collection method: clinical testing. Allele origin: germline.

PreventionGenetics, part of Exact Sciences
Classification: Likely benign for MANBA-related condition. Last evaluated: 2019-03-28. Review status: no assertion criteria provided. Collection method: clinical testing. Allele origin: germline. Not counted in ClinVar's aggregate classification.
Comment: This variant is classified as likely benign based on ACMG/AMP sequence variant interpretation guidelines (Richards et al. 2015 PMID: 25741868, with internal and published modifications).

NM_005908.4(MANBA):c.1302A>G (p.Ala434=)

Gene: MANBA (mannosidase beta; minus strand). Cytogenetic location: 4q24.
Variant type: single nucleotide variant.
Coding change: c.1302A>G on transcript NM_005908.4 (MANE Select); coding-DNA position 1302, A replaced by G.
Protein change: p.Ala434=; no amino-acid change (alanine 434 retained).
Molecular consequence: synonymous variant.
Genome position (GRCh38, 1-based): chr4:102,668,978, T>C on the plus strand (A>G on the coding strand, the complement: MANBA is on the minus strand). VCF-style: chr4-102668978-T-C. GRCh37 (hg19) VCF-style: chr4-103590135-T-C.
Other names: c.1302A>G (NM_005908.3).
Identifiers: ClinVar variation 1572406 (VCV001572406.10), dbSNP rs376135201, ClinGen allele CA3026948.